The following is an entry in ClinVar:

ClinVar aggregate classification (germline): Likely benign (0 of 4 stars; one submission).

Conditions:
SLIT2-related disorder. Also called: SLIT2-related condition.

Allele frequency attached by ClinVar (database versions not stated): 1000 Genomes Project 0.00140; 1000 Genomes Project 30x 0.00141; gnomAD 0.00165; ESP Exome Variant Server 0.00261.
gnomAD v4.1: 516 of 1,603,706 alleles (0.032%); highest among the groups gnomAD compares: African/African-American, 0.54%; 2 homozygotes.

Submission:

PreventionGenetics, part of Exact Sciences
Classification: Likely benign for SLIT2-related condition. Last evaluated: 2019-10-28. Review status: no assertion criteria provided. Collection method: clinical testing. Allele origin: germline.
Comment: This variant is classified as likely benign based on ACMG/AMP sequence variant interpretation guidelines (Richards et al. 2015 PMID: 25741868, with internal and published modifications).

NM_004787.4(SLIT2):c.*10C>T

Gene: SLIT2 (slit guidance ligand 2; plus strand). Cytogenetic location: 4p15.31.
Variant type: single nucleotide variant.
Coding change: c.*10C>T on transcript NM_004787.4 (MANE Select); 10 bases downstream of the stop codon, C replaced by T.
Molecular consequence: 3 prime UTR variant.
Genome position (GRCh38, 1-based): chr4:20,619,019, C>T. VCF-style: chr4-20619019-C-T. GRCh37 (hg19) VCF-style: chr4-20620642-C-T.
Other names: c.*10C>T (NM_001289135.3, NM_001289136.3).
Identifiers: ClinVar variation 3034384 (VCV003034384.2), dbSNP rs186108791, ClinGen allele CA2872492.